The following is an entry in ClinVar:

NM_000287.4(PEX6):c.2148G>C (p.Glu716Asp)

Gene: PEX6 (peroxisomal biogenesis factor 6; minus strand). Cytogenetic location: 6p21.1.
Variant type: single nucleotide variant.
Coding change: c.2148G>C on transcript NM_000287.4 (MANE Select); coding-DNA position 2148, G replaced by C.
Protein change: p.Glu716Asp; replaces glutamic acid 716 with aspartic acid.
Molecular consequence: missense variant.
Genome position (GRCh38, 1-based): chr6:42,966,394, C>G on the plus strand (G>C on the coding strand, the complement: PEX6 is on the minus strand). VCF-style: chr6-42966394-C-G. GRCh37 (hg19) VCF-style: chr6-42934132-C-G.
Other names: c.1884G>C, p.Glu628Asp (NM_001316313.2); short protein forms E628D, E716D.
Identifiers: ClinVar variation 1982164 (VCV001982164.4), dbSNP rs766104579, ClinGen allele CA364152403.

ClinVar aggregate classification (germline): Uncertain significance (1 of 4 stars; one submission).

Conditions:
Peroxisome biogenesis disorder. Identifiers: Orphanet 79189, MedGen C1832200, MONDO:0019234. Disease mechanism: loss of function.

gnomAD v4.1: 1 of 1,614,146 alleles (0.000062%); highest among the groups gnomAD compares: Admixed American, 0.0017%; no homozygotes.

Submission:

Labcorp Genetics (formerly Invitae), Labcorp
Classification: Uncertain significance for Peroxisome biogenesis disorder. Last evaluated: 2023-08-10. Review status: criteria provided, single submitter. Criteria: Invitae Variant Classification Sherloc (09022015). Collection method: clinical testing. Allele origin: germline.
Comment: In summary, the available evidence is currently insufficient to determine the role of this variant in disease. Therefore, it has been classified as a Variant of Uncertain Significance. Advanced modeling of protein sequence and biophysical properties (such as structural, functional, and spatial information, amino acid conservation, physicochemical variation, residue mobility, and thermodynamic stability) performed at Invitae indicates that this missense variant is not expected to disrupt PEX6 protein function. ClinVar contains an entry for this variant (Variation ID: 1982164). This variant has not been reported in the literature in individuals affected with PEX6-related conditions. This variant is present in population databases (no rsID available, gnomAD 0.003%). This sequence change replaces glutamic acid, which is acidic and polar, with aspartic acid, which is acidic and polar, at codon 716 of the PEX6 protein (p.Glu716Asp).